The following is an entry in ClinVar:

NM_001005373.4(LRSAM1):c.1922C>T (p.Pro641Leu)

Gene: LRSAM1 (leucine rich repeat and sterile alpha motif containing 1; plus strand). Cytogenetic location: 9q34.11.
Variant type: single nucleotide variant.
Coding change: c.1922C>T on transcript NM_001005373.4 (MANE Select); coding-DNA position 1922, C replaced by T.
Protein change: p.Pro641Leu; replaces proline 641 with leucine.
Molecular consequence: missense variant. On other transcripts: non-coding transcript variant (2).
Genome position (GRCh38, 1-based): chr9:127,501,019, C>T. VCF-style: chr9-127501019-C-T. GRCh37 (hg19) VCF-style: chr9-130263298-C-T.
Other names: c.1922C>T, p.Pro641Leu (NM_001005374.4, NM_001384142.1, NM_138361.5); c.1841C>T, p.Pro614Leu (NM_001190723.3); c.1823C>T, p.Pro608Leu (NM_001384143.1); c.1133C>T, p.Pro378Leu (NM_001384144.1); short protein forms P378L, P608L, P614L, P641L.
Identifiers: ClinVar variation 2959407 (VCV002959407.3), dbSNP rs766153071, ClinGen allele CA5247201.

ClinVar aggregate classification (germline): Uncertain significance (1 of 4 stars; one submission).

Conditions:
Charcot-Marie-Tooth disease axonal type 2P. Also called: CHARCOT-MARIE-TOOTH NEUROPATHY, TYPE 2P; Charcot-Marie-Tooth Neuropathy Type 2G; CHARCOT-MARIE-TOOTH DISEASE, AXONAL, TYPE 2G; CMT 2G. Identifiers: Orphanet 300319, Orphanet 99941, MedGen C3280797, MONDO:0013753, OMIM 614436.

Allele frequency attached by ClinVar (database versions not stated): gnomAD exomes below 0.00001; ExAC 0.00001; gnomAD 0.00001.
gnomAD v4.1: 6 of 1,613,878 alleles (0.00037%); highest among the groups gnomAD compares: Non-Finnish European, 0.00025%; no homozygotes.

Submission:

Labcorp Genetics (formerly Invitae), Labcorp
Classification: Uncertain significance for Charcot-Marie-Tooth disease axonal type 2P. Last evaluated: 2023-04-26. Review status: criteria provided, single submitter. Criteria: Invitae Variant Classification Sherloc (09022015). Collection method: clinical testing. Allele origin: germline.
Comment: In summary, the available evidence is currently insufficient to determine the role of this variant in disease. Therefore, it has been classified as a Variant of Uncertain Significance. This sequence change replaces proline, which is neutral and non-polar, with leucine, which is neutral and non-polar, at codon 641 of the LRSAM1 protein (p.Pro641Leu). This variant is present in population databases (rs766153071, gnomAD 0.003%). This variant has not been reported in the literature in individuals affected with LRSAM1-related conditions. Advanced modeling of protein sequence and biophysical properties (such as structural, functional, and spatial information, amino acid conservation, physicochemical variation, residue mobility, and thermodynamic stability) performed at Invitae indicates that this missense variant is not expected to disrupt LRSAM1 protein function.